The following is an entry in ClinVar:

ClinVar aggregate classification (germline): Uncertain significance. Review status: criteria provided, multiple submitters, no conflicts (2 of 4 stars). 3 submissions from 3 submitters: Uncertain significance (2). 1 of the submissions does not count toward it. Last evaluated 2023-05-08.

Conditions:
Nephronophthisis. Also called: Juvenile Nephronophthisis. Identifiers: Orphanet 655, MedGen C0687120, MONDO:0019005, HP:0000090.
Nephronophthisis 4 (NPHP4). Also called: NEPHRONOPHTHISIS 4, JUVENILE. Identifiers: Orphanet 655, MedGen C1847013, MONDO:0011752, OMIM 606966.
Senior-Loken syndrome 4 (SLSN4). Identifiers: Orphanet 3156, MedGen C1846979, MONDO:0011756, OMIM 606996.
NPHP4-related disorder. Also called: NPHP4-related disorders; NPHP4-related condition. Identifiers: MedGen CN239384.

Allele frequency attached by ClinVar (database versions not stated): gnomAD exomes below 0.00001 and 0.00001; gnomAD 0.00001; ExAC 0.00002; TOPMed 0.00003; ESP Exome Variant Server 0.00008.
gnomAD v4.1: 5 of 1,610,508 alleles (0.00031%); highest among the groups gnomAD compares: Admixed American, 0.0017%; no homozygotes.

Submissions (3):

Labcorp Genetics (formerly Invitae), Labcorp
Classification: Uncertain significance for Nephronophthisis. Last evaluated: 2023-05-08. Review status: criteria provided, single submitter. Criteria: Invitae Variant Classification Sherloc (09022015). Collection method: clinical testing. Allele origin: germline.
Comment: Advanced modeling of protein sequence and biophysical properties (such as structural, functional, and spatial information, amino acid conservation, physicochemical variation, residue mobility, and thermodynamic stability) performed at Invitae indicates that this missense variant is expected to disrupt NPHP4 protein function. In summary, the available evidence is currently insufficient to determine the role of this variant in disease. Therefore, it has been classified as a Variant of Uncertain Significance. ClinVar contains an entry for this variant (Variation ID: 1490382). This variant has not been reported in the literature in individuals affected with NPHP4-related conditions. This variant is present in population databases (rs369021103, gnomAD 0.004%). This sequence change replaces alanine, which is neutral and non-polar, with valine, which is neutral and non-polar, at codon 1159 of the NPHP4 protein (p.Ala1159Val).

Fulgent Genetics
Classification: Uncertain significance for Nephronophthisis 4; Senior-Loken syndrome 4. Last evaluated: 2022-05-27. Review status: criteria provided, single submitter. Criteria: ACMG Guidelines, 2015. Collection method: clinical testing. Allele origin: unknown.

PreventionGenetics, part of Exact Sciences
Classification: Uncertain significance for NPHP4-related condition. Last evaluated: 2024-06-15. Review status: no assertion criteria provided. Collection method: clinical testing. Allele origin: germline. Not counted in ClinVar's aggregate classification.
Comment: The NPHP4 c.3476C>T variant is predicted to result in the amino acid substitution p.Ala1159Val. To our knowledge, this variant has not been reported in the literature. This variant is reported in 0.0027% of alleles in individuals of European (Non-Finnish) descent in gnomAD. At this time, the clinical significance of this variant is uncertain due to the absence of conclusive functional and genetic evidence.

NM_015102.5(NPHP4):c.3476C>T (p.Ala1159Val)

Gene: NPHP4 (nephrocystin 4; minus strand). Cytogenetic location: 1p36.31.
Variant type: single nucleotide variant.
Coding change: c.3476C>T on transcript NM_015102.5 (MANE Select); coding-DNA position 3476, C replaced by T.
Protein change: p.Ala1159Val; replaces alanine 1159 with valine.
Molecular consequence: missense variant. On other transcripts: non-coding transcript variant (1).
Genome position (GRCh38, 1-based): chr1:5,867,112, G>A on the plus strand (C>T on the coding strand, the complement: NPHP4 is on the minus strand). VCF-style: chr1-5867112-G-A. GRCh37 (hg19) VCF-style: chr1-5927172-G-A.
Other names: c.1937C>T, p.Ala646Val (NM_001291593.2); c.1940C>T, p.Ala647Val (NM_001291594.2); c.3476C>T (NM_015102.4); short protein forms A1159V, A646V, A647V.
Identifiers: ClinVar variation 1490382 (VCV001490382.8), dbSNP rs369021103, ClinGen allele CA553591.